The following is an entry in ClinVar:

NM_001370298.3(FGD4):c.1263A>G (p.Arg421=)

Gene: FGD4 (FYVE, RhoGEF and PH domain containing 4; plus strand). Cytogenetic location: 12p11.21.
Variant type: single nucleotide variant.
Coding change: c.1263A>G on transcript NM_001370298.3 (MANE Select); coding-DNA position 1263, A replaced by G.
Protein change: p.Arg421=; no amino-acid change (arginine 421 retained).
Molecular consequence: synonymous variant. On other transcripts: 5 prime UTR variant (1).
Genome position (GRCh38, 1-based): chr12:32,602,176, A>G. VCF-style: chr12-32602176-A-G. GRCh37 (hg19) VCF-style: chr12-32755110-A-G.
Other names: c.1107A>G, p.Arg369= (NM_001304481.2); c.108A>G, p.Arg36= (NM_001304483.2); c.-200A>G (NM_001304484.2); c.573A>G, p.Arg191= (NM_001330373.2, NM_001330374.2, NM_001384130.1); c.300A>G, p.Arg100= (NM_001370297.1); c.1263A>G, p.Arg421= (NM_001384126.1); c.852A>G, p.Arg284= (NM_001384127.1, NM_001384128.1, NM_001385118.1 and 1 more transcripts).
Identifiers: ClinVar variation 308290 (VCV000308290.15), dbSNP rs773609461, ClinGen allele CA6506751.

ClinVar aggregate classification (germline): Conflicting classifications of pathogenicity. Review status: criteria provided, conflicting classifications (1 of 4 stars). 4 submissions from 4 submitters: Uncertain significance (1); Likely benign (3). Last evaluated 2025-07-09.

Conditions:
FGD4-related disorder. Also called: FGD4-related condition.
Charcot-Marie-Tooth disease type 4H (CMT4H). Also called: CHARCOT-MARIE-TOOTH DISEASE, DEMYELINATING, TYPE 4H; CHARCOT-MARIE-TOOTH DISEASE, AUTOSOMAL RECESSIVE, TYPE 4H; CHARCOT-MARIE-TOOTH DISEASE, DEMYELINATING, AUTOSOMAL RECESSIVE, TYPE 4H; CHARCOT-MARIE-TOOTH NEUROPATHY, TYPE 4H. Identifiers: Orphanet 99954, MedGen C1836336, MONDO:0012250, OMIM 609311.
Charcot-Marie-Tooth disease. Also called: Charcot-Marie-Tooth Neuropathy; Charcot-Marie-Tooth Hereditary Neuropathy. Identifiers: Orphanet 166, MedGen C0007959, MONDO:0015626.
Charcot-Marie-Tooth disease type 4. Also called: Charcot-Marie-Tooth disease, type IV; Charcot-Marie-Tooth, Type 4. Identifiers: Orphanet 64749, MedGen C4082197, MONDO:0018995.

Allele frequency attached by ClinVar (database versions not stated): ExAC 0.00001; gnomAD 0.00002 and 0.00003; TOPMed 0.00002; gnomAD exomes 0.00004.
gnomAD v4.1: 61 of 1,613,958 alleles (0.0038%); highest among the groups gnomAD compares: Non-Finnish European, 0.0049%; no homozygotes.

Submissions (4):

PreventionGenetics, part of Exact Sciences
Classification: Likely benign for FGD4-related condition. Last evaluated: 2025-07-09. Review status: criteria provided, single submitter. Criteria: ACMG Guidelines, 2015. Collection method: clinical testing. Allele origin: germline.
Comment: This variant is classified as likely benign based on ACMG/AMP sequence variant interpretation guidelines (Richards et al. 2015 PMID: 25741868, with internal and published modifications).

Labcorp Genetics (formerly Invitae), Labcorp
Classification: Likely benign for Charcot-Marie-Tooth disease type 4. Last evaluated: 2025-02-23. Review status: criteria provided, single submitter. Criteria: Invitae Variant Classification Sherloc (09022015). Collection method: clinical testing. Allele origin: germline.

Illumina Laboratory Services, Illumina
Classification: Uncertain significance for Charcot-Marie-Tooth disease type 4H. Last evaluated: 2018-01-13. Review status: criteria provided, single submitter. Criteria: ICSL Variant Classification Criteria 13 December 2019. Collection method: clinical testing. Allele origin: germline.

Molecular Genetics Laboratory, London Health Sciences Centre
Classification: Likely benign for Charcot-Marie-Tooth disease. Review status: criteria provided, single submitter. Criteria: ACMG Guidelines, 2015. Collection method: clinical testing. Allele origin: germline. Affected: yes.